The following is an entry in ClinVar:

ClinVar aggregate classification (germline): Pathogenic (1 of 4 stars; one submission).

Conditions:
Hereditary cancer-predisposing syndrome. Also called: Tumor predisposition; Hereditary Cancer Syndrome; Hereditary neoplastic syndrome; Neoplastic Syndromes, Hereditary. Identifiers: Orphanet 140162, MedGen C0027672, MeSH D009386, MONDO:0015356.

Submission:

GeneDx
Classification: Pathogenic for Neoplastic Syndromes, Hereditary. Last evaluated: 2014-08-12. Review status: criteria provided, single submitter. Criteria: GeneDx Variant Classification (06012015). Collection method: clinical testing. Allele origin: germline. Affected: yes.
Comment: The c.219_220delGG mutation in the VHL gene causes a frameshift starting with codon Glutamine 73, changes this amino acid to a Histidine residue and creates a premature Stop codon at position 58 of the new reading frame, denoted p.Gln73HisfsX58. This mutation is predicted to cause loss of normal protein function either through protein truncation or nonsense-mediated mRNA decay. Although this mutation has not been previously reported to our knowledge, its presence is consistent with the diagnosis of von Hippel Lindau (VHL). The variant is found in VHL panel(s).

NM_000551.4(VHL):c.219_220del (p.Gln73fs)

Gene: VHL (von Hippel-Lindau tumor suppressor; plus strand). Cytogenetic location: 3p25.3.
Variant type: Deletion.
Coding change: c.219_220del on transcript NM_000551.4 (MANE Select); coding-DNA positions 219 to 220, 2 bases deleted (GG; older notation c.219_220delGG).
Protein change: p.Gln73fs; shifts the reading frame from glutamine 73.
Molecular consequence: frameshift variant.
Genome position (GRCh38, 1-based): chr3:10,142,066-10,142,067, GG deleted. VCF-style (leftmost placement, unchanged base first): chr3-10142065-AGG-A. GRCh37 (hg19) VCF-style: chr3-10183749-AGG-A.
Other names: c.219_220del, p.Gln73fs (NM_001354723.2, NM_198156.3); c.219_220delGG (NM_000551.3); short protein forms Q73fs.
Identifiers: ClinVar variation 182988 (VCV000182988.1), dbSNP rs730882039, ClinGen allele CA020116.